The following is an entry in ClinVar:

NM_016069.11(PAM16):c.310C>T (p.Arg104Cys)

Genes: PAM16 (presequence translocase associated motor 16; minus strand), CORO7-PAM16 (CORO7-PAM16 readthrough; minus strand). Cytogenetic location: 16p13.3.
Variant type: single nucleotide variant.
Coding change: c.310C>T on transcript NM_016069.11 (MANE Select); coding-DNA position 310, C replaced by T.
Protein change: p.Arg104Cys; replaces arginine 104 with cysteine.
Molecular consequence: missense variant.
Genome position (GRCh38, 1-based): chr16:4,340,387, G>A on the plus strand (C>T on the coding strand, the complement: PAM16 is on the minus strand). VCF-style: chr16-4340387-G-A. GRCh37 (hg19) VCF-style: chr16-4390388-G-A.
Other names: c.3079C>T, p.Arg1027Cys (NM_001201479.2); short protein forms R104C, R1027C.
Identifiers: ClinVar variation 1360742 (VCV001360742.6), dbSNP rs372596226, ClinGen allele CA7873353.
Genomic context (GRCh38, chr16:4,340,387, plus strand): 5'-GGGGCATCTGCCCTTTTTCTCTGTCCTCCTGGGCCTGGATTTTGAGTTCCTCATCCAGGC[G>A]CTCCTTTGCGCGGACCACCTAGTGGGTCACGGATAATCAGGCCGGGAGGCCAAGCCTCCG-3'
Protein context (NP_057153.8, residues 94-114): LQSKVVRAKE[Arg104Cys]LDEELKIQAQ

ClinVar aggregate classification (germline): Uncertain significance (1 of 4 stars; one submission).

Allele frequency attached by ClinVar (database versions not stated): ExAC 0.00001; gnomAD 0.00003 and 0.00004; TOPMed 0.00006; ESP Exome Variant Server 0.00008.
gnomAD v4.1: 16 of 1,612,232 alleles (0.00099%); highest among the groups gnomAD compares: African/African-American, 0.0093%; no homozygotes.

Submission:

Labcorp Genetics (formerly Invitae), Labcorp
Classification: Uncertain significance. Last evaluated: 2025-10-01. Review status: criteria provided, single submitter. Criteria: Invitae Variant Classification Sherloc (09022015). Collection method: clinical testing. Allele origin: germline.
Comment: This sequence change replaces arginine, which is basic and polar, with cysteine, which is neutral and slightly polar, at codon 104 of the PAM16 protein (p.Arg104Cys). This variant is present in population databases (rs372596226, gnomAD 0.02%). This variant has not been reported in the literature in individuals affected with PAM16-related conditions. ClinVar contains an entry for this variant (Variation ID: 1360742). An algorithm developed to predict the effect of missense changes on protein structure and function (PolyPhen-2) suggests that this variant is likely to be disruptive. In summary, the available evidence is currently insufficient to determine the role of this variant in disease. Therefore, it has been classified as a Variant of Uncertain Significance.